The following is an entry in ClinVar:

NC_000010.11:g.1160730_1160786del

Genes: WDR37 (WD repeat domain 37; plus strand), LINC00200 (long independently transcribed non-coding RNA 200; plus strand). Cytogenetic location: 10p15.3.
Variant type: Deletion.
Genome position: GRCh38: chr10:1,160,730-1,160,786. GRCh37 (hg19): chr10:1,206,670-1,206,726.
Identifiers: ClinVar variation 3771994 (VCV003771994.13).

ClinVar aggregate classification (germline): Likely benign (1 of 4 stars; one submission).

Submission:

CeGaT Center for Human Genetics Tuebingen
Classification: Likely benign. Last evaluated: 2026-04-01. Review status: criteria provided, single submitter. Criteria: CeGaT Center For Human Genetics Tuebingen Variant Classification Criteria Version 2. Collection method: clinical testing. Allele origin: germline. Affected: yes. Observed: 8 variant alleles.
Comment: WDR37: PM4, BS1, BS2